The following is an entry in ClinVar:

NM_001080467.3(MYO5B):c.*1614T>C

Genes: SNHG22 (small nucleolar RNA host gene 22; plus strand), MYO5B (myosin VB; minus strand). Cytogenetic location: 18q21.1.
Variant type: single nucleotide variant.
Coding change: c.*1614T>C on transcript NM_001080467.3 (MANE Select); 1614 bases downstream of the stop codon, T replaced by C.
Molecular consequence: 3 prime UTR variant.
Genome position (GRCh38, 1-based): chr18:49,824,857, A>G on the plus strand (T>C on the coding strand, the complement: MYO5B is on the minus strand). VCF-style: chr18-49824857-A-G. GRCh37 (hg19) VCF-style: chr18-47351227-A-G.
Identifiers: ClinVar variation 326966 (VCV000326966.5), dbSNP rs111994054, ClinGen allele CA10641546.

ClinVar aggregate classification (germline): Benign (1 of 4 stars; one submission).

Conditions:
Congenital microvillous atrophy (DIAR2). Also called: DAVIDSON DISEASE; MICROVILLUS ATROPHY, CONGENITAL; Microvillus inclusion disease; Diarrhea 2 with microvillus atrophy, with or without cholestasis; CONGENITAL FAMILIAL PROTRACTED DIARRHEA WITH ENTEROCYTE BRUSH-BORDER ABNORMALITIES. Identifiers: Orphanet 2290, MedGen C0341306, MONDO:0009635, OMIM 251850.

Allele frequency attached by ClinVar (database versions not stated): 1000 Genomes Project 0.00519; 1000 Genomes Project 30x 0.00562; TOPMed 0.00939; gnomAD 0.01082 and 0.01125; gnomAD exomes 0.14286.
gnomAD v4.1: 1,635 of 152,278 alleles (1.1%); highest among the groups gnomAD compares: Non-Finnish European, 1.9%; 13 homozygotes.

Submission:

Illumina Laboratory Services, Illumina
Classification: Benign for Congenital microvillous atrophy. Last evaluated: 2018-01-13. Review status: criteria provided, single submitter. Criteria: ICSL Variant Classification Criteria 13 December 2019. Collection method: clinical testing. Allele origin: germline.
Comment: This variant was observed in the ICSL laboratory as part of a predisposition screen in an ostensibly healthy population. It had not been previously curated by ICSL or reported in the Human Gene Mutation Database (HGMD: prior to June 1st, 2018), and was therefore a candidate for classification through an automated scoring system. Utilizing variant allele frequency, disease prevalence and penetrance estimates, and inheritance mode, an automated score was calculated to assess if this variant is too frequent to cause the disease. Based on the score and internal cut-off values, a variant classified as benign is not then subjected to further curation. The score for this variant resulted in a classification of benign for this disease.